The following is an entry in ClinVar:

ClinVar aggregate classification (germline): Uncertain significance (1 of 4 stars; one submission).

Submission:

Labcorp Genetics (formerly Invitae), Labcorp
Classification: Uncertain significance. Last evaluated: 2025-08-07. Review status: criteria provided, single submitter. Criteria: Invitae Variant Classification Sherloc (09022015). Collection method: clinical testing. Allele origin: germline.
Comment: This sequence change replaces histidine, which is basic and polar, with tyrosine, which is neutral and polar, at codon 86 of the XRCC2 protein (p.His86Tyr). This variant is not present in population databases (gnomAD no frequency). This variant has not been reported in the literature in individuals affected with XRCC2-related conditions. Invitae Evidence Modeling of protein sequence and biophysical properties (such as structural, functional, and spatial information, amino acid conservation, physicochemical variation, residue mobility, and thermodynamic stability) indicates that this missense variant is expected to disrupt XRCC2 protein function with a positive predictive value of 80%. In summary, the available evidence is currently insufficient to determine the role of this variant in disease. Therefore, it has been classified as a Variant of Uncertain Significance.

NM_005431.2(XRCC2):c.256C>T (p.His86Tyr)

Gene: XRCC2 (X-ray repair cross complementing 2; minus strand). Cytogenetic location: 7q36.1.
Variant type: single nucleotide variant.
Coding change: c.256C>T on transcript NM_005431.2 (MANE Select); coding-DNA position 256, C replaced by T.
Protein change: p.His86Tyr; replaces histidine 86 with tyrosine.
Molecular consequence: missense variant.
Genome position (GRCh38, 1-based): chr7:152,649,229, G>A on the plus strand (C>T on the coding strand, the complement: XRCC2 is on the minus strand). VCF-style: chr7-152649229-G-A. GRCh37 (hg19) VCF-style: chr7-152346314-G-A.
Other names: short protein forms H86Y.
Identifiers: ClinVar variation 4741975 (VCV004741975.1).
Genomic context (GRCh38, chr7:152,649,229, plus strand): 5'-CTTCAGAGCTTTGGGATAGTCTGTGCTCAAGAATTGTAACTAGCCGGAGCATATCAAAGT[G>A]GTAATCTGTATCAATAAATAAGACTTCTACTTCCAGGCCACCTTCTGATTTGGGAAGTAT-3'
Protein context (NP_005422.1, residues 76-96): VEVLFIDTDY[His86Tyr]FDMLRLVTIL